The following is an entry in ClinVar:

ClinVar aggregate classification (germline): Likely benign. Review status: criteria provided, multiple submitters, no conflicts (2 of 4 stars). 3 submissions from 3 submitters: Likely benign (3). Last evaluated 2025-10-03.

Conditions:
BAP1-related tumor predisposition syndrome (TPDS1). Also called: Tumor susceptibility linked to germline BAP1 mutations; TUMOR PREDISPOSITION SYNDROME 1; COMMON Syndrome; BAP1 tumor predisposition syndrome. Identifiers: Orphanet 289539, MedGen C3280492, MONDO:0013692, OMIM 614327.
Hereditary cancer-predisposing syndrome. Also called: Tumor predisposition; Hereditary Cancer Syndrome; Neoplastic Syndromes, Hereditary; Hereditary neoplastic syndrome. Identifiers: Orphanet 140162, MedGen C0027672, MeSH D009386, MONDO:0015356.

Allele frequency attached by ClinVar (database versions not stated): gnomAD exomes 0.00001.
gnomAD v4.1: 6 of 1,614,162 alleles (0.00037%); highest among the groups gnomAD compares: Non-Finnish European, 0.00051%; no homozygotes.

Submissions (3):

Labcorp Genetics (formerly Invitae), Labcorp
Classification: Likely benign for BAP1-related tumor predisposition syndrome. Last evaluated: 2025-10-03. Review status: criteria provided, single submitter. Criteria: Invitae Variant Classification Sherloc (09022015). Collection method: clinical testing. Allele origin: germline.

Myriad Genetics, Inc.
Classification: Likely benign for BAP1-related tumor predisposition syndrome. Last evaluated: 2024-07-11. Review status: criteria provided, single submitter. Criteria: Myriad Autosomal Dominant, Autosomal Recessive and X-Linked Classification Criteria (2023). Collection method: clinical testing. Allele origin: unknown.
Comment: This variant is considered likely benign. This variant is intronic and is not expected to impact mRNA splicing.

Color Diagnostics, LLC DBA Color Health
Classification: Likely benign for Hereditary cancer-predisposing syndrome. Last evaluated: 2018-03-13. Review status: criteria provided, single submitter. Criteria: ACMG Guidelines, 2015. Collection method: clinical testing. Allele origin: germline.

NM_004656.4(BAP1):c.68-18T>C

Gene: BAP1 (BRCA1 associated deubiquitinase 1; minus strand). Cytogenetic location: 3p21.1.
Variant type: single nucleotide variant.
Coding change: c.68-18T>C on transcript NM_004656.4 (MANE Select); 18 bases into the intron before coding-DNA position 68, T replaced by C.
Molecular consequence: intron variant.
Genome position (GRCh38, 1-based): chr3:52,409,626, A>G on the plus strand (T>C on the coding strand, the complement: BAP1 is on the minus strand). VCF-style: chr3-52409626-A-G. GRCh37 (hg19) VCF-style: chr3-52443642-A-G.
Identifiers: ClinVar variation 627875 (VCV000627875.6), dbSNP rs1559592901, ClinGen allele CA913188157.
Genomic context (GRCh38, chr3:52,409,626, plus strand): 5'-CTCTGAAGGTCGTAGATCTCCTCCACTTGCACCCCCTTGACACCTGCGATGAGGAAAGGA[A>G]AGCAGTAGGGAAGGACAGCCCCTGATGAGTGAGGGCGCAGGGGTGGGCCGCCACAGCCCC-3'